The following is an entry in ClinVar:

NM_001292063.2(OTOG):c.6911C>T (p.Thr2304Ile)

Gene: OTOG (otogelin; plus strand). Cytogenetic location: 11p15.1.
Variant type: single nucleotide variant.
Coding change: c.6911C>T on transcript NM_001292063.2 (MANE Select); coding-DNA position 6911, C replaced by T.
Protein change: p.Thr2304Ile; replaces threonine 2304 with isoleucine.
Molecular consequence: missense variant.
Genome position (GRCh38, 1-based): chr11:17,631,900, C>T. VCF-style: chr11-17631900-C-T. GRCh37 (hg19) VCF-style: chr11-17653447-C-T.
Other names: c.6947C>T, p.Thr2316Ile (NM_001277269.2); short protein forms T2304I, T2316I.
Identifiers: ClinVar variation 2579423 (VCV002579423.1), dbSNP rs1238051660, ClinGen allele CA379809979.

ClinVar aggregate classification (germline): Uncertain significance (1 of 4 stars; one submission).

gnomAD v4.1: 4 of 1,550,130 alleles (0.00026%); highest among the groups gnomAD compares: Non-Finnish European, 0.00035%; no homozygotes.

Submission:

GeneDx
Classification: Uncertain significance. Last evaluated: 2023-03-07. Review status: criteria provided, single submitter. Criteria: GeneDx Variant Classification Process June 2021. Collection method: clinical testing. Allele origin: germline. Affected: yes.
Comment: Not observed at significant frequency in large population cohorts (gnomAD); In silico analysis supports that this missense variant does not alter protein structure/function; Has not been previously published as pathogenic or benign to our knowledge